The following is an entry in ClinVar:

ClinVar aggregate classification (germline): Uncertain significance (1 of 4 stars; one submission).

Conditions:
Cardiomyopathy (CMYO). Also called: Cardiomyopathies. Identifiers: Orphanet 167848, MedGen C0878544, MONDO:0004994, HP:0001638. Inheritance: Various modes of inheritance.

Allele frequency attached by ClinVar (database versions not stated): TOPMed below 0.00001; gnomAD 0.00001; gnomAD exomes 0.00001.
gnomAD v4.1: 9 of 1,603,610 alleles (0.00056%); highest among the groups gnomAD compares: Middle Eastern, 0.017%; no homozygotes.

Submission:

Color Diagnostics, LLC DBA Color Health
Classification: Uncertain significance for Cardiomyopathy. Last evaluated: 2024-03-06. Review status: criteria provided, single submitter. Criteria: ACMG Guidelines, 2015. Collection method: clinical testing. Allele origin: germline.
Comment: This missense variant replaces threonine with methionine at codon 3994 of the RYR2 protein. Computational prediction is inconclusive regarding the impact of this variant on protein structure and function (internally defined REVEL score threshold 0.5 < inconclusive < 0.7, PMID: 27666373). To our knowledge, functional studies have not been reported for this variant. This variant has not been reported in individuals affected with cardiovascular disorders in the literature. This variant has not been identified in the general population by the Genome Aggregation Database (gnomAD). The available evidence is insufficient to determine the role of this variant in disease conclusively. Therefore, this variant is classified as a Variant of Uncertain Significance.

NM_001035.3(RYR2):c.11981C>T (p.Thr3994Met)

Gene: RYR2 (ryanodine receptor 2; plus strand). Cytogenetic location: 1q43.
Variant type: single nucleotide variant.
Coding change: c.11981C>T on transcript NM_001035.3 (MANE Select); coding-DNA position 11981, C replaced by T.
Protein change: p.Thr3994Met; replaces threonine 3994 with methionine.
Molecular consequence: missense variant.
Genome position (GRCh38, 1-based): chr1:237,783,693, C>T. VCF-style: chr1-237783693-C-T. GRCh37 (hg19) VCF-style: chr1-237946993-C-T.
Other names: short protein forms T3994M.
Identifiers: ClinVar variation 1171954 (VCV001171954.3), dbSNP rs1488908381, ClinGen allele CA345411820.